The following is an entry in ClinVar:

NM_014516.4(CNOT3):c.1433C>T (p.Thr478Met)

Gene: CNOT3 (CCR4-NOT transcription complex subunit 3; plus strand). Cytogenetic location: 19q13.42.
Variant type: single nucleotide variant.
Coding change: c.1433C>T on transcript NM_014516.4 (MANE Select); coding-DNA position 1433, C replaced by T.
Protein change: p.Thr478Met; replaces threonine 478 with methionine.
Molecular consequence: missense variant. On other transcripts: non-coding transcript variant (2).
Genome position (GRCh38, 1-based): chr19:54,149,586, C>T. VCF-style: chr19-54149586-C-T. GRCh37 (hg19) VCF-style: chr19-54653321-C-T.
Other names: c.1436C>T, p.Thr479Met (NM_001440653.1, NM_001440655.1, NM_001440657.1 and 3 more transcripts); c.1433C>T, p.Thr478Met (NM_001440654.1, NM_001440656.1, NM_001440658.1 and 1 more transcripts); c.890C>T, p.Thr297Met (NM_001440659.1, NM_001440660.1); short protein forms T479M, T297M, T478M.
Identifiers: ClinVar variation 4761222 (VCV004761222.1).

ClinVar aggregate classification (germline): Uncertain significance (1 of 4 stars; one submission).

Submission:

Labcorp Genetics (formerly Invitae), Labcorp
Classification: Uncertain significance. Last evaluated: 2025-09-04. Review status: criteria provided, single submitter. Criteria: Invitae Variant Classification Sherloc (09022015). Collection method: clinical testing. Allele origin: germline.
Comment: This sequence change replaces threonine, which is neutral and polar, with methionine, which is neutral and non-polar, at codon 478 of the CNOT3 protein (p.Thr478Met). This variant is present in population databases (rs141689499, gnomAD 0.02%). This variant has not been reported in the literature in individuals affected with CNOT3-related conditions. An algorithm developed to predict the effect of missense changes on protein structure and function (PolyPhen-2) suggests that this variant is likely to be tolerated. In summary, the available evidence is currently insufficient to determine the role of this variant in disease. Therefore, it has been classified as a Variant of Uncertain Significance.